The following is an entry in ClinVar:

ClinVar aggregate classification (germline): Benign (1 of 4 stars; one submission).

Conditions:
Diamond-Blackfan anemia 9 (DBA9). Also called: RPS10-Related Diamond-Blackfan Anemia. Identifiers: Orphanet 124, MedGen C2750081, MONDO:0013216, OMIM 613308.

Allele frequency attached by ClinVar (database versions not stated): TOPMed 0.00137; gnomAD 0.00143; 1000 Genomes Project 0.00399; 1000 Genomes Project 30x 0.00406; gnomAD exomes 0.00610.
gnomAD v4.1: 182 of 152,534 alleles (0.12%); highest among the groups gnomAD compares: East Asian, 1.3%; 1 homozygote.

Submission:

Illumina Laboratory Services, Illumina
Classification: Benign for Diamond-Blackfan anemia 9. Last evaluated: 2018-01-13. Review status: criteria provided, single submitter. Criteria: ICSL Variant Classification Criteria 13 December 2019. Collection method: clinical testing. Allele origin: germline.
Comment: This variant was observed in the ICSL laboratory as part of a predisposition screen in an ostensibly healthy population. It had not been previously curated by ICSL or reported in the Human Gene Mutation Database (HGMD: prior to June 1st, 2018), and was therefore a candidate for classification through an automated scoring system. Utilizing variant allele frequency, disease prevalence and penetrance estimates, and inheritance mode, an automated score was calculated to assess if this variant is too frequent to cause the disease. Based on the score and internal cut-off values, a variant classified as benign is not then subjected to further curation. The score for this variant resulted in a classification of benign for this disease.

NM_001014.5(RPS10):c.-21C>G

Genes: RPS10-NUDT3 (RPS10-NUDT3 readthrough; minus strand), RPS10 (ribosomal protein S10; minus strand). Cytogenetic location: 6p21.31.
Variant type: single nucleotide variant.
Coding change: c.-21C>G on transcript NM_001014.5 (MANE Select); 21 bases upstream of the start codon, C replaced by G.
Molecular consequence: 5 prime UTR variant.
Genome position (GRCh38, 1-based): chr6:34,426,052, G>C on the plus strand (C>G on the coding strand, the complement: RPS10 is on the minus strand). VCF-style: chr6-34426052-G-C. GRCh37 (hg19) VCF-style: chr6-34393829-G-C.
Other names: c.-25C>G (NM_001204091.2); c.-21C>G (NM_001202470.3); c.-257C>G (NM_001203245.3).
Identifiers: ClinVar variation 356427 (VCV000356427.5), dbSNP rs181470609, ClinGen allele CA10626661.